The following is an entry in ClinVar:

ClinVar aggregate classification (germline): Uncertain significance (1 of 4 stars; one submission).

Conditions:
Inborn genetic diseases. Identifiers: MedGen C0950123, MeSH D030342.

Allele frequency attached by ClinVar (database versions not stated): gnomAD exomes 0.00001.
gnomAD v4.1: 3 of 1,614,060 alleles (0.00019%); highest among the groups gnomAD compares: East Asian, 0.0067%; no homozygotes.

Submission:

Ambry Genetics
Classification: Uncertain significance for Inborn genetic diseases. Last evaluated: 2024-04-22. Review status: criteria provided, single submitter. Criteria: Ambry Variant Classification Scheme 2023. Collection method: clinical testing. Allele origin: germline.
Comment: The p.K338R variant (also known as c.1013A>G), located in coding exon 9 of the RAD51 gene, results from an A to G substitution at nucleotide position 1013. The lysine at codon 338 is replaced by arginine, an amino acid with highly similar properties. This amino acid position is conserved. In addition, this alteration is predicted to be tolerated by in silico analysis. Since supporting evidence is limited at this time, the clinical significance of this alteration remains unclear.

NM_002875.5(RAD51):c.1013A>G (p.Lys338Arg)

Gene: RAD51 (RAD51 recombinase; plus strand). Cytogenetic location: 15q15.1.
Variant type: single nucleotide variant.
Coding change: c.1013A>G on transcript NM_002875.5 (MANE Select); coding-DNA position 1013, A replaced by G.
Protein change: p.Lys338Arg; replaces lysine 338 with arginine.
Molecular consequence: missense variant. On other transcripts: 3 prime UTR variant (1).
Genome position (GRCh38, 1-based): chr15:40,731,171, A>G. VCF-style: chr15-40731171-A-G. GRCh37 (hg19) VCF-style: chr15-41023369-A-G.
Other names: c.1016A>G, p.Lys339Arg (NM_001164269.2, NM_133487.4); c.*48A>G (NM_001164270.2); short protein forms K338R, K339R.
Identifiers: ClinVar variation 1735919 (VCV001735919.3), dbSNP rs1896860676, ClinGen allele CA391761312.